The following is an entry in ClinVar:

ClinVar aggregate classification (germline): Benign/Likely benign. Review status: criteria provided, multiple submitters, no conflicts (2 of 4 stars). 9 submissions from 9 submitters: Benign (4); Likely benign (4). 1 of the submissions does not count toward it. Last evaluated 2026-01-24.

Conditions:
Usher syndrome type 1D (USH1D). Also called: USHER SYNDROME, TYPE ID. Identifiers: Orphanet 231169, Orphanet 886, MedGen C1832845, MONDO:0010984, OMIM 601067.
Usher syndrome type 1F (USH1F). Also called: USHER SYNDROME, TYPE IF. Identifiers: Orphanet 231169, Orphanet 886, MedGen C1865885, MONDO:0011186, OMIM 602083.
Autosomal recessive nonsyndromic hearing loss 23. Identifiers: Orphanet 90636, MedGen C1836027, MONDO:0012293, OMIM 609533.
Usher syndrome type 1 (USH1). Also called: RETINITIS PIGMENTOSA AND CONGENITAL DEAFNESS. Identifiers: Orphanet 231169, Orphanet 886, MedGen C1568247, MONDO:0010168, OMIM 276900.

Allele frequency attached by ClinVar (database versions not stated): gnomAD exomes 0.00033 and 0.00131; gnomAD 0.00039 and 0.00053; TOPMed 0.00071; ExAC 0.00126; 1000 Genomes Project 0.00280; 1000 Genomes Project 30x 0.00312.
gnomAD v4.1: 564 of 1,613,102 alleles (0.035%); highest among the groups gnomAD compares: East Asian, 1.1%; 2 homozygotes.

Submissions (9):

Labcorp Genetics (formerly Invitae), Labcorp
Classification: Benign. Last evaluated: 2026-01-24. Review status: criteria provided, single submitter. Criteria: Invitae Variant Classification Sherloc (09022015). Collection method: clinical testing. Allele origin: germline.

Blueprint Genetics
Classification: Likely benign. Last evaluated: 2024-10-25. Review status: criteria provided, single submitter. Criteria: ACMG Guidelines, 2015. Collection method: clinical testing. Allele origin: germline.

Women's Health and Genetics/Laboratory Corporation of America, LabCorp
Classification: Benign. Last evaluated: 2022-07-12. Review status: criteria provided, single submitter. Criteria: LabCorp Variant Classification Summary - May 2015. Collection method: clinical testing. Allele origin: germline.
Comment: Variant summary: PCDH15 c.3451G>A (p.Gly1151Arg) results in a non-conservative amino acid change located in the Cadherin-like domain (IPR002126) of the encoded protein sequence. Four of five in-silico tools predict a damaging effect of the variant on protein function. The variant allele was found at a frequency of 0.0013 in 250984 control chromosomes, predominantly at a frequency of 0.017 within the East Asian subpopulation in the gnomAD database, including 2 homozygotes. The observed variant frequency within East Asian control individuals in the gnomAD database is approximately 5 fold of the estimated maximal expected allele frequency for a pathogenic variant in PCDH15 causing Usher Syndrome Type 1F phenotype (0.0032), strongly suggesting that the variant is a benign polymorphism found primarily in populations of East Asian origin. To our knowledge, no experimental evidence demonstrating its impact on protein function have been reported. Six ClinVar submitters (evaluation after 2014) cite the variant as likely benign (n=3) and benign (n=3). Based on the evidence outlined above, the variant was classified as benign.

Fulgent Genetics
Classification: Likely benign for Usher syndrome type 1D; Usher syndrome type 1F; Autosomal recessive nonsyndromic hearing loss 23. Last evaluated: 2021-07-20. Review status: criteria provided, single submitter. Criteria: ACMG Guidelines, 2015. Collection method: clinical testing. Allele origin: unknown.

GeneDx
Classification: Benign. Last evaluated: 2018-06-18. Review status: criteria provided, single submitter. Criteria: GeneDx Variant Classification (06012015). Collection method: clinical testing. Allele origin: germline. Affected: yes.
Comment: This variant is considered likely benign or benign based on one or more of the following criteria: it is a conservative change, it occurs at a poorly conserved position in the protein, it is predicted to be benign by multiple in silico algorithms, and/or has population frequency not consistent with disease.

ARUP Laboratories, Molecular Genetics and Genomics, ARUP Laboratories
Classification: Benign. Last evaluated: 2018-02-02. Review status: criteria provided, single submitter. Criteria: ARUP Molecular Germline Variant Investigation Process. Collection method: clinical testing. Allele origin: germline.

Illumina Laboratory Services, Illumina
Classification: Likely benign for Usher syndrome type 1. Last evaluated: 2017-04-27. Review status: criteria provided, single submitter. Criteria: ICSL Variant Classification Criteria 13 December 2019. Collection method: clinical testing. Allele origin: germline.
Comment: This variant was observed as part of a predisposition screen in an ostensibly healthy population. A literature search was performed for the gene, cDNA change, and amino acid change (where applicable). No publications were found based on this search. Allele frequency data from public databases allowed determination this variant is unlikely to cause disease. Therefore, this variant is classified as likely benign.

Laboratory for Molecular Medicine, Mass General Brigham Personalized Medicine
Classification: Likely benign. Last evaluated: 2017-01-12. Review status: criteria provided, single submitter. Criteria: LMM Criteria. Collection method: clinical testing. Allele origin: germline. Observed: 3 variant alleles.
Comment: p.Gly1151Arg in exon 26 of PCDH15: This variant is not expected to have clinical significance because it has been identified in 1.7% (322/18942) of East Asian c hromosomes by the Genome Aggregation Database (gnomAD; dbSNP rs149478475).

Natera, Inc.
Classification: Likely benign for Usher syndrome type 1F. Last evaluated: 2020-04-16. Review status: no assertion criteria provided. Collection method: clinical testing. Allele origin: germline. Not counted in ClinVar's aggregate classification.

Literature cited by the submitters: PubMed 23967202 (cited by Laboratory for Molecular Medicine, Mass General Brigham Personalized Medicine).

NM_001384140.1(PCDH15):c.3451G>A (p.Gly1151Arg)

Gene: PCDH15 (protocadherin related 15; minus strand). Cytogenetic location: 10q21.1.
Variant type: single nucleotide variant.
Coding change: c.3451G>A on transcript NM_001384140.1 (MANE Select); coding-DNA position 3451, G replaced by A.
Protein change: p.Gly1151Arg; replaces glycine 1151 with arginine.
Molecular consequence: missense variant.
Genome position (GRCh38, 1-based): chr10:53,903,293, C>T on the plus strand (G>A on the coding strand, the complement: PCDH15 is on the minus strand). VCF-style: chr10-53903293-C-T. GRCh37 (hg19) VCF-style: chr10-55663053-C-T.
Other names: c.3466G>A, p.Gly1156Arg (NM_001142763.2, NM_001142771.2); c.3451G>A, p.Gly1151Arg (NM_001142764.2, NM_001142766.2, NM_001142770.3 and 4 more transcripts); c.3238G>A, p.Gly1080Arg (NM_001142765.2); c.3340G>A, p.Gly1114Arg (NM_001142767.2); c.3385G>A, p.Gly1129Arg (NM_001142768.2, NM_001142773.2, NM_001354404.2); c.3487G>A, p.Gly1163Arg (NM_001142769.4); c.3472G>A, p.Gly1158Arg (NM_001354411.2); short protein forms G1151R, G1114R, G1163R, G1156R, G1129R, G1158R, G1080R.
Identifiers: ClinVar variation 179960 (VCV000179960.30), dbSNP rs149478475, ClinGen allele CA185516.